The following is an entry in ClinVar:

ClinVar aggregate classification (germline): Uncertain significance (1 of 4 stars; one submission).

Submission:

GeneDx
Classification: Uncertain significance. Last evaluated: 2025-07-11. Review status: criteria provided, single submitter. Criteria: GeneDx Variant Classification Process June 2021. Collection method: clinical testing. Allele origin: germline. Affected: yes.
Comment: Not observed at significant frequency in large population cohorts (gnomAD); In silico analysis supports that this missense variant has a deleterious effect on protein structure/function; Has not been previously published as pathogenic or benign to our knowledge

NM_004187.5(KDM5C):c.992C>G (p.Ser331Cys)

Gene: KDM5C (lysine demethylase 5C; minus strand). Cytogenetic location: Xp11.22.
Variant type: single nucleotide variant.
Coding change: c.992C>G on transcript NM_004187.5 (MANE Select); coding-DNA position 992, C replaced by G.
Protein change: p.Ser331Cys; replaces serine 331 with cysteine.
Molecular consequence: missense variant. On other transcripts: non-coding transcript variant (3).
Genome position (GRCh38, 1-based): chrX:53,214,819, G>C on the plus strand (C>G on the coding strand, the complement: KDM5C is on the minus strand). VCF-style: chrX-53214819-G-C. GRCh37 (hg19) VCF-style: chrX-53244001-G-C.
Other names: c.989C>G, p.Ser330Cys (NM_001353979.2, NM_001353982.2, NM_001282622.3); c.992C>G, p.Ser331Cys (NM_001353981.2, NM_001353984.2, NM_001353978.3); c.791C>G, p.Ser264Cys (NM_001146702.2); short protein forms S264C, S330C, S331C.
Identifiers: ClinVar variation 4685061 (VCV004685061.1).
Genomic context (GRCh38, chrX:53,214,819, plus strand): 5'-ATGTGGTAGTTGTCATCACAGCCATCACACAGCAGGAGCTTGTCATCCTCATCCCCTCGA[G>C]AACACATCCGGCAGACATATGACTCAATCTGCCAGGGGAGAAGAGCAAAAGTTCTCCATT-3'
Protein context (NP_004178.2, residues 321-341): FIESYVCRMC[Ser331Cys]RGDEDDKLLL